The following is an entry in ClinVar:

NM_017780.4(CHD7):c.2195del (p.Pro732fs)

Gene: CHD7 (chromodomain helicase DNA binding protein 7; plus strand). Cytogenetic location: 8q12.2.
Variant type: Deletion.
Coding change: c.2195del on transcript NM_017780.4 (MANE Select); coding-DNA position 2195, one base deleted (C; older notation c.2195delC).
Protein change: p.Pro732fs; shifts the reading frame from proline 732.
Molecular consequence: frameshift variant. On other transcripts: intron variant (1).
Genome position (GRCh38, 1-based): chr8:60,795,084, C deleted; the last of 5 consecutive C bases (chr8:60,795,080-60,795,084); deleting any one gives the same sequence. VCF-style (leftmost placement, unchanged base first): chr8-60795079-AC-A. GRCh37 (hg19) VCF-style: chr8-61707638-AC-A.
Other names: c.1716+14034del (NM_001316690.1); short protein forms P732fs.
Identifiers: ClinVar variation 1068833 (VCV001068833.7), dbSNP rs1586341138, ClinGen allele CA645555504.

ClinVar aggregate classification (germline): Pathogenic (1 of 4 stars; one submission).

Conditions:
CHARGE syndrome (CHARGE). Also called: Hittner Hirsch Kreh syndrome; CHARGE ASSOCIATION--COLOBOMA, HEART ANOMALY, CHOANAL ATRESIA, RETARDATION, GENITAL AND EAR ANOMALIES; Coloboma, heart anomaly, choanal atresia, retardation, genital and ear anomalies; CHARGE association; Hall-Hittner syndrome. Identifiers: Orphanet 138, MedGen C0265354, MONDO:0008965.

Submission:

Labcorp Genetics (formerly Invitae), Labcorp
Classification: Pathogenic for CHARGE syndrome. Last evaluated: 2020-05-04. Review status: criteria provided, single submitter. Criteria: Invitae Variant Classification Sherloc (09022015). Collection method: clinical testing. Allele origin: germline.
Comment: For these reasons, this variant has been classified as Pathogenic. Loss-of-function variants in CHD7 are known to be pathogenic (PMID: 22461308, 25077900). This variant has not been reported in the literature in individuals with CHD7-related conditions. This variant is not present in population databases (ExAC no frequency). This sequence change creates a premature translational stop signal (p.Pro732Hisfs*23) in the CHD7 gene. It is expected to result in an absent or disrupted protein product.

Literature cited by the submitters: PubMed 22461308; PubMed 25077900.